The following is an entry in ClinVar:

ClinVar aggregate classification (germline): Likely benign. Review status: criteria provided, multiple submitters, no conflicts (2 of 4 stars). 5 submissions from 5 submitters: Likely benign (4). 1 of the submissions does not count toward it. Last evaluated 2026-08-01.

Conditions:
RYR1-related disorder. Also called: RYR1-related condition; RYR1-related disorders. Identifiers: MedGen CN239331.
Malignant hyperthermia, susceptibility to, 1 (MHS1). Also called: RYR1-Related Malignant Hyperthermia Susceptibility; Anesthesia related hyperthermia; Malignant hyperpyrexia; Fulminating hyperpyrexia; Pharmacogenic myopathy; Malignant hyperthermia suceptibility 1. Identifiers: Orphanet 423, MedGen C2930980, MONDO:0007783, OMIM 145600.

Allele frequency attached by ClinVar (database versions not stated): gnomAD exomes 0.00005 and 0.00008; TOPMed 0.00005; gnomAD 0.00006; ExAC 0.00007.
gnomAD v4.1: 91 of 1,612,956 alleles (0.0056%); highest among the groups gnomAD compares: Middle Eastern, 0.055%; no homozygotes.

Submissions (5):

CeGaT Center for Human Genetics Tuebingen
Classification: Likely benign. Last evaluated: 2026-08-01. Review status: criteria provided, single submitter. Criteria: CeGaT Center For Human Genetics Tuebingen Variant Classification Criteria Version 2. Collection method: clinical testing. Allele origin: germline. Affected: yes. Observed: 2 variant alleles.
Comment: RYR1: BP4, BP7

Labcorp Genetics (formerly Invitae), Labcorp
Classification: Likely benign for RYR1-related disorder. Last evaluated: 2025-10-19. Review status: criteria provided, single submitter. Criteria: Invitae Variant Classification Sherloc (09022015). Collection method: clinical testing. Allele origin: germline.

All of Us Research Program, National Institutes of Health
Classification: Likely benign for Malignant hyperthermia, susceptibility to, 1. Last evaluated: 2024-07-10. Review status: criteria provided, single submitter. Criteria: ACMG Guidelines, 2015. Collection method: clinical testing. Allele origin: germline. Inheritance: Autosomal dominant inheritance. Observed: 21 variant alleles, 21 heterozygotes.
Comment: This study involves interpretation of variants in research participants for the purpose of population health screening. Participant phenotype was not available at the time of variant classification. Additional details can be found in publication PMID: 35346344, PMCID: PMC8962531

Color Diagnostics, LLC DBA Color Health
Classification: Likely benign for Malignant hyperthermia, susceptibility to, 1. Last evaluated: 2022-11-06. Review status: criteria provided, single submitter. Criteria: ACMG Guidelines, 2015. Collection method: clinical testing. Allele origin: germline.

PreventionGenetics, part of Exact Sciences
Classification: Likely benign for RYR1-related condition. Last evaluated: 2019-03-07. Review status: no assertion criteria provided. Collection method: clinical testing. Allele origin: germline. Not counted in ClinVar's aggregate classification.
Comment: This variant is classified as likely benign based on ACMG/AMP sequence variant interpretation guidelines (Richards et al. 2015 PMID: 25741868, with internal and published modifications).

NM_000540.3(RYR1):c.7344T>C (p.Gly2448=)

Gene: RYR1 (ryanodine receptor 1; plus strand). Cytogenetic location: 19q13.2.
Variant type: single nucleotide variant.
Coding change: c.7344T>C on transcript NM_000540.3 (MANE Select); coding-DNA position 7344, T replaced by C.
Protein change: p.Gly2448=; no amino-acid change (glycine 2448 retained).
Molecular consequence: synonymous variant.
Genome position (GRCh38, 1-based): chr19:38,500,626, T>C. VCF-style: chr19-38500626-T-C. GRCh37 (hg19) VCF-style: chr19-38991266-T-C.
Other names: c.7344T>C, p.Gly2448= (NM_001042723.2).
Identifiers: ClinVar variation 329060 (VCV000329060.40), dbSNP rs199813873, ClinGen allele CA069555.